The following is an entry in ClinVar:

ClinVar aggregate classification (germline): Uncertain significance (1 of 4 stars; one submission).

Conditions:
Arterial tortuosity syndrome (ATORS). Identifiers: Orphanet 3342, MedGen C1859726, MONDO:0008818, OMIM 208050.

Submission:

Labcorp Genetics (formerly Invitae), Labcorp
Classification: Uncertain significance for Arterial tortuosity syndrome. Last evaluated: 2022-06-05. Review status: criteria provided, single submitter. Criteria: Invitae Variant Classification Sherloc (09022015). Collection method: clinical testing. Allele origin: germline.
Comment: In summary, the available evidence is currently insufficient to determine the role of this variant in disease. Therefore, it has been classified as a Variant of Uncertain Significance. This sequence change replaces alanine, which is neutral and non-polar, with serine, which is neutral and polar, at codon 331 of the SLC2A10 protein (p.Ala331Ser). This variant is not present in population databases (gnomAD no frequency). This variant has not been reported in the literature in individuals affected with SLC2A10-related conditions. ClinVar contains an entry for this variant (Variation ID: 1392985). Advanced modeling of protein sequence and biophysical properties (such as structural, functional, and spatial information, amino acid conservation, physicochemical variation, residue mobility, and thermodynamic stability) performed at Invitae indicates that this missense variant is not expected to disrupt SLC2A10 protein function.

NM_030777.4(SLC2A10):c.991G>T (p.Ala331Ser)

Gene: SLC2A10 (solute carrier family 2 member 10; plus strand). Cytogenetic location: 20q13.12.
Variant type: single nucleotide variant.
Coding change: c.991G>T on transcript NM_030777.4 (MANE Select); coding-DNA position 991, G replaced by T.
Protein change: p.Ala331Ser; replaces alanine 331 with serine.
Molecular consequence: missense variant.
Genome position (GRCh38, 1-based): chr20:46,726,027, G>T. VCF-style: chr20-46726027-G-T. GRCh37 (hg19) VCF-style: chr20-45354666-G-T.
Other names: short protein forms A331S.
Identifiers: ClinVar variation 1392985 (VCV001392985.6), dbSNP rs2123049348, ClinGen allele CA409268821.
Genomic context (GRCh38, chr20:46,726,027, plus strand): 5'-GTCAGTGGCATAGGCCTCGTCAGCTTTGCCGTGCCCATGGACTCAGGCCCAAGCTGTCTG[G>T]CTGTGCCCAATGCCACCGGGCAGACAGGCCTCCCTGGAGACTCTGGCCTGCTGCAGGACT-3'
Protein context (NP_110404.1, residues 321-341): VPMDSGPSCL[Ala331Ser]VPNATGQTGL